The following is an entry in ClinVar:

NM_000350.3(ABCA4):c.1363del (p.Leu455fs)

Gene: ABCA4 (ATP binding cassette subfamily A member 4; minus strand). Cytogenetic location: 1p22.1.
Variant type: Deletion.
Coding change: c.1363del on transcript NM_000350.3 (MANE Select); coding-DNA position 1363, one base deleted (C; older notation c.1363delC).
Protein change: p.Leu455fs; shifts the reading frame from leucine 455.
Molecular consequence: frameshift variant.
Genome position (GRCh38, 1-based): chr1:94,077,881, G deleted on the plus strand (C on the coding strand, the reverse complement: ABCA4 is on the minus strand); the first of 3 consecutive G bases (chr1:94,077,881-94,077,883); deleting any one gives the same sequence. VCF-style (leftmost placement, unchanged base first): chr1-94077880-AG-A. GRCh37 (hg19) VCF-style: chr1-94543436-AG-A.
Other names: c.1361delC, p.Leu455Trpfs (NM_001425324.1); short protein forms L455fs.
Identifiers: ClinVar variation 1416024 (VCV001416024.6), dbSNP rs2101101428, ClinGen allele CA2573132727.

ClinVar aggregate classification (germline): Pathogenic (1 of 4 stars; one submission).

Submission:

Labcorp Genetics (formerly Invitae), Labcorp
Classification: Pathogenic. Last evaluated: 2024-01-22. Review status: criteria provided, single submitter. Criteria: Invitae Variant Classification Sherloc (09022015). Collection method: clinical testing. Allele origin: germline.
Comment: This sequence change creates a premature translational stop signal (p.Leu455Trpfs*6) in the ABCA4 gene. It is expected to result in an absent or disrupted protein product. Loss-of-function variants in ABCA4 are known to be pathogenic (PMID: 10958761, 24938718, 25312043, 26780318). This variant is not present in population databases (gnomAD no frequency). This variant has not been reported in the literature in individuals affected with ABCA4-related conditions. ClinVar contains an entry for this variant (Variation ID: 1416024). For these reasons, this variant has been classified as Pathogenic.

Literature cited by the submitters: PubMed 10958761; PubMed 24938718; PubMed 25312043; PubMed 26780318.